The following is an entry in ClinVar:

NM_004897.5(MINPP1):c.1203G>A (p.Arg401=)

Genes: MINPP1 (multiple inositol-polyphosphate phosphatase 1; plus strand), LOC126860990 (CDK7 strongly-dependent group 2 enhancer GRCh37_chr10:89311461-89312660; plus strand). Cytogenetic location: 10q23.2.
Variant type: single nucleotide variant.
Coding change: c.1203G>A on transcript NM_004897.5 (MANE Select); coding-DNA position 1203, G replaced by A.
Protein change: p.Arg401=; no amino-acid change (arginine 401 retained).
Molecular consequence: synonymous variant. On other transcripts: 3 prime UTR variant (1).
Genome position (GRCh38, 1-based): chr10:87,552,217, G>A. VCF-style: chr10-87552217-G-A. GRCh37 (hg19) VCF-style: chr10-89311974-G-A.
Other names: c.*32G>A (NM_001178117.2); c.600G>A, p.Arg200= (NM_001178118.2).
Identifiers: ClinVar variation 2640659 (VCV002640659.24), dbSNP rs2492633968, ClinGen allele CA470863605.

ClinVar aggregate classification (germline): Likely benign (1 of 4 stars; one submission).

Allele frequency attached by ClinVar (database versions not stated): gnomAD exomes below 0.00001.
gnomAD v4.1: 2 of 1,613,774 alleles (0.00012%); highest among the groups gnomAD compares: Non-Finnish European, 0.00017%; no homozygotes.

Submission:

CeGaT Center for Human Genetics Tuebingen
Classification: Likely benign. Last evaluated: 2022-07-01. Review status: criteria provided, single submitter. Criteria: CeGaT Center For Human Genetics Tuebingen Variant Classification Criteria Version 2. Collection method: clinical testing. Allele origin: germline. Affected: yes. Observed: 1 variant allele.
Comment: MINPP1: PM2:Supporting, BP4, BP7